The following is an entry in ClinVar:

ClinVar aggregate classification (germline): Uncertain significance. Review status: criteria provided, multiple submitters, no conflicts (2 of 4 stars). 2 submissions from 2 submitters: Uncertain significance (2). Last evaluated 2024-04-04.

Conditions:
Fanconi anemia (FA). Also called: Fanconi's anemia. Identifiers: Orphanet 84, MedGen C0015625, MeSH D005199, MONDO:0019391.
Fanconi anemia complementation group I (FANCI). Also called: FANCI-Related Fanconi Anemia. Identifiers: Orphanet 84, MedGen C1836861, MONDO:0012186, OMIM 609053.

Allele frequency attached by ClinVar (database versions not stated): TOPMed below 0.00001.

Submissions (2):

Fulgent Genetics
Classification: Uncertain significance for Fanconi anemia complementation group I. Last evaluated: 2024-04-04. Review status: criteria provided, single submitter. Criteria: ACMG Guidelines, 2015. Collection method: clinical testing. Allele origin: germline.

Labcorp Genetics (formerly Invitae), Labcorp
Classification: Uncertain significance for Fanconi anemia. Last evaluated: 2021-04-29. Review status: criteria provided, single submitter. Criteria: Invitae Variant Classification Sherloc (09022015). Collection method: clinical testing. Allele origin: germline.
Comment: In summary, the available evidence is currently insufficient to determine the role of this variant in disease. Therefore, it has been classified as a Variant of Uncertain Significance. Algorithms developed to predict the effect of missense changes on protein structure and function are either unavailable or do not agree on the potential impact of this missense change (SIFT: "Deleterious"; PolyPhen-2: "Probably Damaging"; Align-GVGD: "Class C0"). This variant has not been reported in the literature in individuals with FANCI-related conditions. This variant is not present in population databases (ExAC no frequency). This sequence change replaces isoleucine with valine at codon 1250 of the FANCI protein (p.Ile1250Val). The isoleucine residue is highly conserved and there is a small physicochemical difference between isoleucine and valine.

NM_001113378.2(FANCI):c.3748A>G (p.Ile1250Val)

Gene: FANCI (FA complementation group I; plus strand). Cytogenetic location: 15q26.1.
Variant type: single nucleotide variant.
Coding change: c.3748A>G on transcript NM_001113378.2 (MANE Select); coding-DNA position 3748, A replaced by G.
Protein change: p.Ile1250Val; replaces isoleucine 1250 with valine.
Molecular consequence: missense variant.
Genome position (GRCh38, 1-based): chr15:89,314,639, A>G. VCF-style: chr15-89314639-A-G. GRCh37 (hg19) VCF-style: chr15-89857870-A-G.
Other names: c.3469A>G, p.Ile1157Val (NM_001376910.1); c.3748A>G, p.Ile1250Val (NM_001376911.1); c.3568A>G, p.Ile1190Val (NM_018193.3); short protein forms I1250V, I1157V, I1190V.
Identifiers: ClinVar variation 1491576 (VCV001491576.10), dbSNP rs2055130868, ClinGen allele CA393743945.